The following is an entry in ClinVar:

NM_016507.4(CDK12):c.772A>C (p.Asn258His)

Genes: CDK12 (cyclin dependent kinase 12; plus strand), LOC126862553 (CDK7 strongly-dependent group 2 enhancer GRCh37_chr17:37618166-37619365; plus strand). Cytogenetic location: 17q12.
Variant type: single nucleotide variant.
Coding change: c.772A>C on transcript NM_016507.4 (MANE Select); coding-DNA position 772, A replaced by C.
Protein change: p.Asn258His; replaces asparagine 258 with histidine.
Molecular consequence: missense variant.
Genome position (GRCh38, 1-based): chr17:39,462,843, A>C. VCF-style: chr17-39462843-A-C. GRCh37 (hg19) VCF-style: chr17-37619096-A-C.
Other names: c.772A>C, p.Asn258His (NM_015083.4); short protein forms N258H.
Identifiers: ClinVar variation 3830721 (VCV003830721.1).

ClinVar aggregate classification (germline): Uncertain significance (1 of 4 stars; one submission).

Submission:

Ambry Genetics
Classification: Uncertain significance. Last evaluated: 2025-02-28. Review status: criteria provided, single submitter. Criteria: Ambry Variant Classification Scheme 2023. Collection method: clinical testing. Allele origin: germline.
Comment: The p.N258H variant (also known as c.772A>C), located in coding exon 1 of the CDK12 gene, results from an A to C substitution at nucleotide position 772. The asparagine at codon 258 is replaced by histidine, an amino acid with similar properties. This amino acid position is conserved. In addition, this alteration is predicted to be tolerated by in silico analysis. Based on the available evidence, the clinical significance of this variant remains unclear.